The following is an entry in ClinVar:

ClinVar aggregate classification (germline): Uncertain significance (1 of 4 stars; one submission).

Conditions:
SEMA3C-related disorder. Also called: SEMA3C-related condition.

gnomAD v4.1: 41 of 1,613,992 alleles (0.0025%); highest among the groups gnomAD compares: Admixed American, 0.067%; no homozygotes.

Submission:

PreventionGenetics, part of Exact Sciences
Classification: Uncertain significance for SEMA3C-related condition. Last evaluated: 2025-10-28. Review status: criteria provided, single submitter. Criteria: ACMG Guidelines, 2015. Collection method: clinical testing. Allele origin: germline.
Comment: The SEMA3C c.2272A>C variant is predicted to result in the amino acid substitution p.Lys758Gln. To our knowledge, this variant has not been reported in the literature. This variant is reported in 0.038% of alleles in individuals of Latino descent in gnomAD. At this time, the clinical significance of this variant is uncertain due to the absence of conclusive functional and genetic evidence.

NM_006379.5(SEMA3C):c.2218A>C (p.Lys740Gln)

Gene: SEMA3C (semaphorin 3C; minus strand). Cytogenetic location: 7q21.11.
Variant type: single nucleotide variant.
Coding change: c.2218A>C on transcript NM_006379.5 (MANE Select); coding-DNA position 2218, A replaced by C.
Protein change: p.Lys740Gln; replaces lysine 740 with glutamine.
Molecular consequence: missense variant.
Genome position (GRCh38, 1-based): chr7:80,744,932, T>G on the plus strand (A>C on the coding strand, the complement: SEMA3C is on the minus strand). VCF-style: chr7-80744932-T-G. GRCh37 (hg19) VCF-style: chr7-80374248-T-G.
Other names: c.2272A>C, p.Lys758Gln (NM_001350120.2); c.2044A>C, p.Lys682Gln (NM_001350121.2); short protein forms K682Q, K740Q, K758Q.
Identifiers: ClinVar variation 4990147 (VCV004990147.1).